The following is an entry in ClinVar:

ClinVar aggregate classification (germline): Conflicting classifications of pathogenicity. Review status: criteria provided, conflicting classifications (1 of 4 stars). 20 submissions from 14 submitters: Uncertain significance (6); Likely benign (13). 1 of the submissions does not count toward it. Last evaluated 2026-02-24.

Conditions:
Familial thoracic aortic aneurysm and aortic dissection (TAAD). Also called: Thoracic aortic aneurysms and dissections. Identifiers: Orphanet 91387, MedGen C4707243, MONDO:0019625.
Geleophysic dysplasia. Identifiers: Orphanet 2623, MedGen C3489726, MONDO:0000127.
Acromicric dysplasia (ACMICD). Also called: Acromicric skeletal dysplasia. Identifiers: Orphanet 969, MedGen C0265287, MONDO:0007055, OMIM 102370.
Stiff skin syndrome (SSKS). Identifiers: Orphanet 2833, MedGen C1861456, MONDO:0008492, OMIM 184900.
Ectopia lentis 1, isolated, autosomal dominant (ECTOL1). Identifiers: Orphanet 1885, MedGen C3541518, MONDO:0007514, OMIM 129600.
Marfan syndrome (MFS). Also called: MARFAN SYNDROME, TYPE I; Marfan syndrome type 1; Marfan's syndrome; Marfan syndrome, classic; FBN1-Related Marfan Syndrome. Identifiers: Orphanet 284963, Orphanet 558, MedGen C0024796, MONDO:0007947, OMIM 154700.
Weill-Marchesani syndrome. Also called: WM Syndrome; Mesodermal dysmorphodystrophy congenital. Identifiers: Orphanet 3449, MedGen C0265313, MONDO:0018096.

Allele frequency attached by ClinVar (database versions not stated): gnomAD 0.00005 and 0.00006; ESP Exome Variant Server 0.00008; TOPMed 0.00011; gnomAD exomes 0.00013 and 0.00014; 1000 Genomes Project 30x 0.00016; ExAC 0.00016; 1000 Genomes Project 0.00020.
gnomAD v4.1: 197 of 1,614,258 alleles (0.012%); highest among the groups gnomAD compares: Admixed American, 0.033%; no homozygotes.

Submissions 1 to 11 of 20:

Women's Health and Genetics/Laboratory Corporation of America, LabCorp
Classification: Likely benign. Last evaluated: 2026-02-24. Review status: criteria provided, single submitter. Criteria: LabCorp Variant Classification Summary - May 2015. Collection method: clinical testing. Allele origin: germline.
Comment: Variant summary: FBN1 c.8149G>A (p.Glu2717Lys) results in a conservative amino acid change in the encoded protein sequence. Algorithms developed to predict the effect of missense changes on protein structure and function are either unavailable or do not agree on the potential impact of this missense change. The variant allele was found at a frequency of 0.00014 in 251476 control chromosomes. The observed variant frequency exceeds the estimated maximal expected allele frequency for disease-causing variants in FBN1. c.8149G>A has been observed in individuals affected with Marfan Syndrome, ascending aortic aneurysm, or single suture craniosynostosis without strong evidence for causality (Gezdirici_2021, Ziganshin_2015, Clarke_2018). These report(s) do not provide unequivocal conclusions about association of the variant with Marfan Syndrome. To our knowledge, no experimental evidence demonstrating an impact on protein function has been reported. The following publications have been ascertained in the context of this evaluation (PMID: 29168297, 33483584, 26188975). ClinVar contains an entry for this variant (Variation ID: 237106). Based on the evidence outlined above, the variant was classified as likely benign.

Labcorp Genetics (formerly Invitae), Labcorp
Classification: Likely benign for Marfan syndrome; Familial thoracic aortic aneurysm and aortic dissection. Last evaluated: 2026-01-24. Review status: criteria provided, single submitter. Criteria: Invitae Variant Classification Sherloc (09022015). Collection method: clinical testing. Allele origin: germline.

CeGaT Center for Human Genetics Tuebingen
Classification: Likely benign. Last evaluated: 2026-01-01. Review status: criteria provided, single submitter. Criteria: CeGaT Center For Human Genetics Tuebingen Variant Classification Criteria Version 2. Collection method: clinical testing. Allele origin: germline. Affected: yes. Observed: 3 variant alleles.
Comment: FBN1: BS2

Color Diagnostics, LLC DBA Color Health
Classification: Uncertain significance for Familial thoracic aortic aneurysm and aortic dissection. Last evaluated: 2025-12-11. Review status: criteria provided, single submitter. Criteria: ACMG Guidelines, 2015. Collection method: clinical testing. Allele origin: germline.
Comment: This missense variant replaces glutamic acid with lysine at codon 2717 of the FBN1 protein. Computational prediction is inconclusive regarding the impact of this variant on protein structure and function. To our knowledge, functional studies have not been reported for this variant. This variant has been reported in one individual affected with ascending aortic aneurysm (PMID: 26188975) and in another individual affected with movement disorders (PMID: 35531120). This variant has been identified in 197/1614258 chromosomes in the general population by the Genome Aggregation Database (gnomAD). The relatively high frequency of this variant in the general population suggests that this variant is unlikely to be disease-causing. However, additional studies are necessary to determine the role of this variant in disease conclusively. Therefore, this variant is classified as a Variant of Uncertain Significance.

ARUP Laboratories, Molecular Genetics and Genomics, ARUP Laboratories
Classification: Likely benign. Last evaluated: 2024-12-18. Review status: criteria provided, single submitter. Criteria: ARUP Molecular Germline Variant Investigation Process 2024. Collection method: clinical testing. Allele origin: germline.

GeneDx
Classification: Uncertain significance. Last evaluated: 2024-12-11. Review status: criteria provided, single submitter. Criteria: GeneDx Variant Classification Process June 2021. Collection method: clinical testing. Allele origin: germline. Affected: yes.
Comment: Identified in patients with variable features of a connective tissue disorder including ascending aortic aneurysm, metopic craniosynostosis, and Marfan syndrome; one individual with features of Marfan syndrome was also heterozygous for a pathogenic FBN1 variant (PMID: 26188975, 27647783, 33483584, 29168297); Does not affect a cysteine residue within a calcium-binding EGF-like domain or a TGF-binding protein domain of the FBN1 gene; cysteine substitutions in the calcium-binding EGF-like domains represent the majority of pathogenic missense changes associated with FBN1-related disorders (PMID: 12938084); In silico analysis indicates that this missense variant does not alter protein structure/function; This variant is associated with the following publications: (PMID: 29168297, 32123317, 33483584, 35531120, 27647783, 26188975, 37937776, 34663891, 12938084)

Blueprint Genetics
Classification: Likely benign. Last evaluated: 2024-11-26. Review status: criteria provided, single submitter. Criteria: ACMG Guidelines, 2015. Collection method: clinical testing. Allele origin: germline.

Clinical Genomics Laboratory, Washington University in St. Louis
Classification: Uncertain significance for Marfan syndrome. Last evaluated: 2024-11-19. Review status: criteria provided, single submitter. Criteria: ACMG Guidelines, 2015. Collection method: clinical testing. Allele origin: germline.
Comment: The FBN1 c.8149G>A (p.Glu2717Lys) variant has been observed in at least nine affected individuals (including four unrelated) with aortic dissection, aortic dilatation, aortic root aneurysm, craniosynostosis, and classical Marfan syndrome (Clarke CM et al., PMID: 29168297; Collod-Beroud G et al., PMID: 12938084; Gezdirici A et al., PMID: 33483584; Ziganshin BA et al., PMID: 26188975). The highest population allele frequency in the population database genome aggregation database (v.2.1.1) is 0.05%. Computational predictors are uncertain as to the impact of this variant on FBN1 function. This variant has been reported in the ClinVar database as a germline likely benign variant by five submitters and a variant of uncertain significance by six submitters. Due to limited information, and based on ACMG/AMP guidelines for variant interpretation (Richards S et al., PMID: 25741868) and gene-specific practices from the ClinGen Criteria Specification Registry, the clinical significance of this variant is uncertain at this time.

All of Us Research Program, National Institutes of Health
Classification: Uncertain significance for Marfan syndrome. Last evaluated: 2024-09-23. Review status: criteria provided, single submitter. Criteria: ACMG Guidelines, 2015. Collection method: clinical testing. Allele origin: germline. Inheritance: Autosomal dominant inheritance. Observed: 41 variant alleles, 41 heterozygotes.
Comment: This missense variant replaces glutamic acid with lysine at codon 2717 of the FBN1 protein. Computational prediction is inconclusive regarding the impact of this variant on protein structure and function (internally defined REVEL score threshold 0.5 < inconclusive < 0.7, PMID: 27666373). To our knowledge, functional studies have not been reported for this variant. This variant has been reported in one individual affected with ascending aortic aneurysm (PMID: 26188975) and in another individual affected with movement disorders (PMID: 35531120). This variant has been identified in 34/251476 chromosomes in the general population by the Genome Aggregation Database (gnomAD). The relatively high frequency of this variant in the general population suggests that this variant is unlikely to be disease-causing. However, additional studies are necessary to determine the role of this variant in disease conclusively. Therefore, this variant is classified as a Variant of Uncertain Significance.

This study involves interpretation of variants in research participants for the purpose of population health screening. Participant phenotype was not available at the time of variant classification. Additional details can be found in publication PMID: 35346344, PMCID: PMC8962531

Ambry Genetics
Classification: Likely benign for Familial thoracic aortic aneurysm and aortic dissection. Last evaluated: 2024-01-23. Review status: criteria provided, single submitter. Criteria: Ambry Variant Classification Scheme 2023. Collection method: clinical testing. Allele origin: germline.

Mayo Clinic Laboratories, Mayo Clinic
Classification: Uncertain significance. Last evaluated: 2022-01-03. Review status: criteria provided, single submitter. Criteria: ACMG Guidelines, 2015. Collection method: clinical testing. Allele origin: germline.

NM_000138.5(FBN1):c.8149G>A (p.Glu2717Lys)

Gene: FBN1 (fibrillin 1; minus strand). Cytogenetic location: 15q21.1.
Variant type: single nucleotide variant.
Coding change: c.8149G>A on transcript NM_000138.5 (MANE Select); coding-DNA position 8149, G replaced by A.
Protein change: p.Glu2717Lys; replaces glutamic acid 2717 with lysine.
Molecular consequence: missense variant.
Genome position (GRCh38, 1-based): chr15:48,412,646, C>T on the plus strand (G>A on the coding strand, the complement: FBN1 is on the minus strand). VCF-style: chr15-48412646-C-T. GRCh37 (hg19) VCF-style: chr15-48704843-C-T.
Other names: short protein forms E2717K.
Identifiers: ClinVar variation 237106 (VCV000237106.58), dbSNP rs187553035, ClinGen allele CA059678.